The following is an entry in ClinVar:

ClinVar aggregate classification (germline): Uncertain significance. Review status: criteria provided, multiple submitters, no conflicts (2 of 4 stars). 2 submissions from 2 submitters: Uncertain significance (2). Last evaluated 2025-05-01.

Conditions:
Cardiovascular phenotype. Identifiers: MedGen CN230736.

Allele frequency attached by ClinVar (database versions not stated): gnomAD exomes below 0.00001; TOPMed below 0.00001.
gnomAD v4.1: 1 of 1,614,146 alleles (0.000062%); highest among the groups gnomAD compares: Non-Finnish European, 0.000085%; no homozygotes.

Submissions (2):

CeGaT Center for Human Genetics Tuebingen
Classification: Uncertain significance. Last evaluated: 2025-05-01. Review status: criteria provided, single submitter. Criteria: CeGaT Center For Human Genetics Tuebingen Variant Classification Criteria Version 2. Collection method: clinical testing. Allele origin: germline. Affected: yes. Observed: 1 variant allele.
Comment: JAG1: PM2

Ambry Genetics
Classification: Uncertain significance for Cardiovascular phenotype. Last evaluated: 2021-09-14. Review status: criteria provided, single submitter. Criteria: Ambry Variant Classification Scheme 2023. Collection method: clinical testing. Allele origin: germline.
Comment: The p.Y953C variant (also known as c.2858A>G), located in coding exon 23 of the JAG1 gene, results from an A to G substitution at nucleotide position 2858. The tyrosine at codon 953 is replaced by cysteine, an amino acid with highly dissimilar properties. This amino acid position is conserved. In addition, this alteration is predicted to be tolerated by in silico analysis. Since supporting evidence is limited at this time, the clinical significance of this alteration remains unclear.

NM_000214.3(JAG1):c.2858A>G (p.Tyr953Cys)

Gene: JAG1 (jagged canonical Notch ligand 1; minus strand). Cytogenetic location: 20p12.2.
Variant type: single nucleotide variant.
Coding change: c.2858A>G on transcript NM_000214.3 (MANE Select); coding-DNA position 2858, A replaced by G.
Protein change: p.Tyr953Cys; replaces tyrosine 953 with cysteine.
Molecular consequence: missense variant.
Genome position (GRCh38, 1-based): chr20:10,641,518, T>C on the plus strand (A>G on the coding strand, the complement: JAG1 is on the minus strand). VCF-style: chr20-10641518-T-C. GRCh37 (hg19) VCF-style: chr20-10622166-T-C.
Other names: short protein forms Y953C.
Identifiers: ClinVar variation 1796902 (VCV001796902.12), dbSNP rs2067271472, ClinGen allele CA408244825.